The following is an entry in ClinVar:

ClinVar aggregate classification (germline): Conflicting classifications of pathogenicity. Review status: criteria provided, conflicting classifications (1 of 4 stars). 6 submissions from 6 submitters: Uncertain significance (4); Benign (1); Likely benign (1). Last evaluated 2026-03-27.

Conditions:
Brugada syndrome 3 (BRGDA3). Identifiers: Orphanet 130, MedGen C2678478, MONDO:0012742, OMIM 611875.
Long QT syndrome 8. Identifiers: MedGen CN260585, MONDO:0032756, OMIM 618447.
Neurodevelopmental disorder with hypotonia, language delay, and skeletal defects with or without seizures (NEDHLSS). Identifiers: MedGen C5774213, MONDO:0859286, OMIM 620029.
Timothy syndrome (TS). Also called: LONG QT SYNDROME WITH SYNDACTYLY. Identifiers: Orphanet 65283, MedGen C1832916, MeSH C536962, MONDO:0010979, OMIM 601005.
Cardiovascular phenotype. Identifiers: MedGen CN230736.
Long QT syndrome (LQTS). Identifiers: MedGen C0023976, MeSH D008133, MONDO:0002442. Disease mechanism: loss of function. Inheritance: Various modes of inheritance.

Allele frequency attached by ClinVar (database versions not stated): ExAC 0.00001; gnomAD exomes 0.00001 and 0.00003; ESP Exome Variant Server 0.00008; TOPMed 0.00010; gnomAD 0.00011 and 0.00012.
gnomAD v4.1: 61 of 1,606,640 alleles (0.0038%); highest among the groups gnomAD compares: African/African-American, 0.028%; no homozygotes.

Submissions (6):

Clinical Genomics Laboratory, Washington University in St. Louis
Classification: Uncertain significance for Brugada syndrome 3; Long QT syndrome 8; Neurodevelopmental disorder with hypotonia, language delay, and skeletal defects with or without seizures; Timothy syndrome. Last evaluated: 2026-03-27. Review status: criteria provided, single submitter. Criteria: ACMG Guidelines, 2015. Collection method: clinical testing. Allele origin: germline.
Comment: The CACNA1C c.5375A>G (p.Glu1792Gly) variant, to our knowledge, has not been reported in the medical literature. This variant has been reported in the ClinVar database as a variant of uncertain significance by two submitters, a likely benign variant by one submitter and a benign variant by one submitter (ClinVar Variation ID: 526952). It is observed in 61/1,606,640 alleles in the general population (gnomAD v4.1.0). Computational predictors are uncertain as to the impact of this variant on CACNA1C function. Due to limited information, and based on ACMG/AMP guidelines for variant interpretation (Richards S et al., PMID: 25741868), the clinical significance of this variant is uncertain at this time.

Labcorp Genetics (formerly Invitae), Labcorp
Classification: Benign for Long QT syndrome. Last evaluated: 2025-12-09. Review status: criteria provided, single submitter. Criteria: Invitae Variant Classification Sherloc (09022015). Collection method: clinical testing. Allele origin: germline.

Ambry Genetics
Classification: Uncertain significance for Cardiovascular phenotype. Last evaluated: 2025-06-27. Review status: criteria provided, single submitter. Criteria: Ambry Variant Classification Scheme 2023. Collection method: clinical testing. Allele origin: germline.
Comment: The p.E1792G variant (also known as c.5375A>G), located in coding exon 42 of the CACNA1C gene, results from an A to G substitution at nucleotide position 5375. The glutamic acid at codon 1792 is replaced by glycine, an amino acid with similar properties. This amino acid position is well conserved in available vertebrate species. In addition, the in silico prediction for this alteration is inconclusive. Since supporting evidence is limited at this time, the clinical significance of this alteration remains unclear.

Women's Health and Genetics/Laboratory Corporation of America, LabCorp
Classification: Likely benign. Last evaluated: 2024-07-01. Review status: criteria provided, single submitter. Criteria: LabCorp Variant Classification Summary - May 2015. Collection method: clinical testing. Allele origin: germline.
Comment: Variant summary: CACNA1C c.5375A>G (p.Glu1792Gly) results in a non-conservative amino acid change in the encoded protein sequence. Three of five in-silico tools predict a damaging effect of the variant on protein function. The variant allele was found at a frequency of 3.8e-05 in 1606640 control chromosomes. The observed variant frequency is approximately 3.8 fold of the estimated maximal expected allele frequency for a pathogenic variant in CACNA1C causing Timothy Syndrome phenotype (1e-05). c.5375A>G has been reported in the literature in at least one individual with arrhythmia, however these report(s) do not provide unequivocal conclusions about association of the variant with Timothy Syndrome (e.g., Richard_2019). To our knowledge, no experimental evidence demonstrating an impact on protein function has been reported. The following publication has been ascertained in the context of this evaluation (PMID: 30471092). ClinVar contains an entry for this variant (Variation ID: 526952). Based on the evidence outlined above, the variant was classified as likely benign.

Fulgent Genetics
Classification: Uncertain significance for Timothy syndrome; Brugada syndrome 3; Long QT syndrome 8. Last evaluated: 2021-09-16. Review status: criteria provided, single submitter. Criteria: ACMG Guidelines, 2015. Collection method: clinical testing. Allele origin: unknown.

Blueprint Genetics
Classification: Uncertain significance. Last evaluated: 2019-10-11. Review status: criteria provided, single submitter. Criteria: ACMG Guidelines, 2015. Collection method: clinical testing. Allele origin: germline.

Literature cited by the submitters: uncertain (cited by Clinical Genomics Laboratory, Washington University in St. Louis); PubMed 30471092 (cited by Women's Health and Genetics/Laboratory Corporation of America, LabCorp).

NM_000719.7(CACNA1C):c.5375A>G (p.Glu1792Gly)

Genes: CACNA1C-AS1 (CACNA1C antisense RNA 1; minus strand), CACNA1C (calcium voltage-gated channel subunit alpha1 C; plus strand). Cytogenetic location: 12p13.33.
Variant type: single nucleotide variant.
Coding change: c.5375A>G on transcript NM_000719.7 (MANE Select); coding-DNA position 5375, A replaced by G.
Protein change: p.Glu1792Gly; replaces glutamic acid 1792 with glycine.
Molecular consequence: missense variant.
Genome position (GRCh38, 1-based): chr12:2,679,727, A>G. VCF-style: chr12-2679727-A-G. GRCh37 (hg19) VCF-style: chr12-2788893-A-G.
Other names: c.5519A>G, p.Glu1840Gly (NM_001129827.2, NM_199460.4); c.5498A>G, p.Glu1833Gly (NM_001129829.2); c.5375A>G, p.Glu1792Gly (NM_001129830.3, NM_001129840.2, NM_001129841.2 and 4 more transcripts); c.5459A>G, p.Glu1820Gly (NM_001129831.2); c.5435A>G, p.Glu1812Gly (NM_001129832.2); c.5432A>G, p.Glu1811Gly (NM_001129833.2, NM_001129834.2, NM_001129835.2); c.5426A>G, p.Glu1809Gly (NM_001129836.2); c.5399A>G, p.Glu1800Gly (NM_001129837.2, NM_001129838.2); and 3 more; short protein forms E1792G, E1840G, E1781G, E1809G, E1811G, E1798G, E1812G, E1833G.
Identifiers: ClinVar variation 526952 (VCV000526952.18), dbSNP rs374177870, ClinGen allele CA6389766.